The following is an entry in ClinVar:

NM_014727.3(KMT2B):c.588_590del (p.Leu197del)

Gene: KMT2B (lysine methyltransferase 2B; plus strand). Cytogenetic location: 19q13.12.
Variant type: Deletion.
Coding change: c.588_590del on transcript NM_014727.3 (MANE Select); coding-DNA positions 588 to 590, 3 bases deleted (TCT; older notation c.588_590delTCT).
Protein change: p.Leu197del; deletes leucine 197.
Genome position (GRCh38, 1-based): chr19:35,719,935-35,719,937, TCT deleted; deleting any 3 consecutive bases within chr19:35,719,933-35,719,937 gives the same sequence; the c. name uses the placement nearest the transcript's 3' end. VCF-style (leftmost placement, unchanged base first): chr19-35719932-ACTT-A. GRCh37 (hg19) VCF-style: chr19-36210834-ACTT-A.
Other names: short protein forms L197del.
Identifiers: ClinVar variation 3030801 (VCV003030801.2), dbSNP rs2513311518, ClinGen allele CA2584571509.

ClinVar aggregate classification (germline): Uncertain significance (0 of 4 stars; one submission).

Conditions:
KMT2B-related disorder. Also called: KMT2B-related condition; KMT2B-related disorders. Identifiers: MedGen CN381338.

Submission:

PreventionGenetics, part of Exact Sciences
Classification: Uncertain significance for KMT2B-related condition. Last evaluated: 2024-02-20. Review status: no assertion criteria provided. Collection method: clinical testing. Allele origin: germline.
Comment: The KMT2B c.588_590delTCT variant is predicted to result in an in-frame deletion (p.Leu197del). To our knowledge, this variant has not been reported in the literature or in a large population database, indicating this variant is rare. At this time, the clinical significance of this variant is uncertain due to the absence of conclusive functional and genetic evidence.